The following is an entry in ClinVar:

NM_002225.5(IVD):c.261_262delinsTT (p.Gly88Cys)

Gene: IVD (isovaleryl-CoA dehydrogenase; plus strand). Cytogenetic location: 15q15.1.
Variant type: Indel.
Coding change: c.261_262delinsTT on transcript NM_002225.5 (MANE Select); coding-DNA positions 261 to 262, GG replaced by TT.
Protein change: p.Gly88Cys; replaces glycine 88 with cysteine.
Molecular consequence: missense variant. On other transcripts: non-coding transcript variant (1).
Genome position (GRCh38, 1-based): chr15:40,407,965-40,407,966, GG replaced by TT. VCF-style: chr15-40407965-GG-TT. GRCh37 (hg19) VCF-style: chr15-40700164-GG-TT.
Other names: c.171_172delinsTT, p.Gly58Cys (NM_001159508.3); c.213_214delinsTT, p.Gly72Cys (NM_001354597.3); c.261_262delinsTT, p.Gly88Cys (NM_001354598.3, NM_001354601.3); c.348_349delinsTT, p.Gly117Cys (NM_001354599.3, NM_001354600.3); short protein forms G117C, G58C, G72C, G88C.
Identifiers: ClinVar variation 3233616 (VCV003233616.3), dbSNP rs2542649437, ClinGen allele CA2825002261.

ClinVar aggregate classification (germline): Conflicting classifications of pathogenicity. Review status: criteria provided, conflicting classifications (1 of 4 stars). 2 submissions from 2 submitters: Likely pathogenic (1); Uncertain significance (1). Last evaluated 2024-03-28.

Conditions:
Isovaleryl-CoA dehydrogenase deficiency (IVA). Also called: ISOVALERIC ACID CoA DEHYDROGENASE DEFICIENCY; Isovaleric acidemia; IVD DEFICIENCY; Classic Isovaleric Acidemia. Identifiers: Orphanet 33, MedGen C0268575, MONDO:0009475, OMIM 243500.

Submissions (2):

Fulgent Genetics
Classification: Likely pathogenic for Isovaleryl-CoA dehydrogenase deficiency. Last evaluated: 2024-03-28. Review status: criteria provided, single submitter. Criteria: ACMG Guidelines, 2015. Collection method: clinical testing. Allele origin: germline.

Women's Health and Genetics/Laboratory Corporation of America, LabCorp
Classification: Uncertain significance. Last evaluated: 2024-03-28. Review status: criteria provided, single submitter. Criteria: LabCorp Variant Classification Summary - May 2015. Collection method: clinical testing. Allele origin: germline.
Comment: Variant summary: IVD c.261_262delinsTT (p.Gly88Cys) results in a non-conservative amino acid change in the encoded protein sequence. Three of four in-silico tools predict a damaging effect of the variant on protein function. The variant was absent in 251490 control chromosomes. The available data on variant occurrences in the general population are insufficient to allow any conclusion about variant significance. To our knowledge, no occurrence of c.261_262delinsTT in individuals affected with Isovaleryl-CoA Dehydrogenase Deficiency and no experimental evidence demonstrating its impact on protein function have been reported. No submitters have cited clinical-significance assessments for this variant to ClinVar. Based on the evidence outlined above, the variant was classified as uncertain significance.